The following is an entry in ClinVar:

NM_001927.4(DES):c.1303C>A (p.Gln435Lys)

Gene: DES (desmin; plus strand). Cytogenetic location: 2q35.
Variant type: single nucleotide variant.
Coding change: c.1303C>A on transcript NM_001927.4 (MANE Select); coding-DNA position 1303, C replaced by A.
Protein change: p.Gln435Lys; replaces glutamine 435 with lysine.
Molecular consequence: missense variant.
Genome position (GRCh38, 1-based): chr2:219,425,677, C>A. VCF-style: chr2-219425677-C-A. GRCh37 (hg19) VCF-style: chr2-220290399-C-A.
Other names: c.1300C>A, p.Gln434Lys (NM_001382708.1); c.871C>A, p.Gln291Lys (NM_001382709.1); c.1234C>A, p.Gln412Lys (NM_001382710.1); c.1282C>A, p.Gln428Lys (NM_001382711.1); c.1303C>A, p.Gln435Lys (NM_001382712.1); c.1033C>A, p.Gln345Lys (NM_001382713.1); short protein forms Q291K, Q345K, Q412K, Q428K, Q434K, Q435K.
Identifiers: ClinVar variation 2420465 (VCV002420465.7), dbSNP rs2545263577, ClinGen allele CA350698366.
Genomic context (GRCh38, chr2:219,425,677, plus strand): 5'-CAGCCTGGACTTGGTCAGGCTGAGTGTGCGATGGACCCTGTTACAGAAACCAGCCCTGAG[C>A]AAAGGGGTTCTGAGGTCCATACCAAGAAGACGGTGATGATCAAGACCATCGAGACACGGG-3'
Protein context (NP_001918.3, residues 425-445): ALNFRETSPE[Gln435Lys]RGSEVHTKKT

ClinVar aggregate classification (germline): Uncertain significance (1 of 4 stars; one submission).

Conditions:
Desmin-related myofibrillar myopathy (MFM1). Also called: MYOFIBRILLAR MYOPATHY WITH ARRHYTHMOGENIC RIGHT VENTRICULAR CARDIOMYOPATHY; DESMIN-RELATED MYOPATHY WITH ARRHYTHMOGENIC RIGHT VENTRICULAR CARDIOMYOPATHY; Myofibrillar myopathy 1; Desminopathy; Desmin related myopathy (former name); Desmin storage myopathy (former name). Identifiers: Orphanet 363543, Orphanet 98909, MedGen C1832370, MONDO:0011076, OMIM 601419.

gnomAD v4.1: 2 of 1,583,388 alleles (0.00013%); highest among the groups gnomAD compares: South Asian, 0.0012%; no homozygotes.

Submission:

Labcorp Genetics (formerly Invitae), Labcorp
Classification: Uncertain significance for Desmin-related myofibrillar myopathy. Last evaluated: 2022-10-05. Review status: criteria provided, single submitter. Criteria: Invitae Variant Classification Sherloc (09022015). Collection method: clinical testing. Allele origin: germline.
Comment: In summary, the available evidence is currently insufficient to determine the role of this variant in disease. Therefore, it has been classified as a Variant of Uncertain Significance. Algorithms developed to predict the effect of missense changes on protein structure and function (SIFT, PolyPhen-2, Align-GVGD) all suggest that this variant is likely to be tolerated. This variant has not been reported in the literature in individuals affected with DES-related conditions. This variant is not present in population databases (gnomAD no frequency). This sequence change replaces glutamine, which is neutral and polar, with lysine, which is basic and polar, at codon 435 of the DES protein (p.Gln435Lys).